The following is an entry in ClinVar:

NM_000203.5(IDUA):c.1045_1047del (p.Asp349del)

Gene: IDUA (alpha-L-iduronidase; plus strand). Cytogenetic location: 4p16.3.
Variant type: Deletion.
Coding change: c.1045_1047del on transcript NM_000203.5 (MANE Select); coding-DNA positions 1045 to 1047, 3 bases deleted (GAC; older notation c.1045_1047delGAC).
Protein change: p.Asp349del; deletes aspartic acid 349.
Molecular consequence: inframe deletion. On other transcripts: non-coding transcript variant (1).
Genome position (GRCh38, 1-based): chr4:1,002,341-1,002,343, GAC deleted; deleting any 3 consecutive bases within chr4:1,002,339-1,002,343 gives the same sequence; the c. name uses the placement nearest the transcript's 3' end. VCF-style (leftmost placement, unchanged base first): chr4-1002338-AACG-A. GRCh37 (hg19) VCF-style: chr4-996126-AACG-A.
Other names: NM_000203.5(IDUA):c.1045_1047del; p.Asp349del; c.649_651del, p.Asp217del (NM_001363576.1); c.1045_1047delGAC (NM_000203.3); short protein forms D349del, D217del.
Identifiers: ClinVar variation 557885 (VCV000557885.15), dbSNP rs1230096882, ClinGen allele CA438057772.

ClinVar aggregate classification (germline): Pathogenic. Review status: reviewed by expert panel (3 of 4 stars). 6 submissions from 6 submitters: Pathogenic (1). 5 of the submissions do not count toward it. Last evaluated 2025-04-07.

Conditions:
Mucopolysaccharidosis type 1. Also called: Mucopolysaccharidosis Type I; IDUA deficiency; MPS I. Identifiers: Orphanet 579, MedGen C0023786, MONDO:0001586.
Mucopolysaccharidosis, MPS-I-S. Also called: Scheie Syndrome; MPS V; MUCOPOLYSACCHARIDOSIS TYPE V; MUCOPOLYSACCHARIDOSIS TYPE IS. Identifiers: Orphanet 93474, MedGen C0026708, MONDO:0011760, OMIM 607016.
Hurler syndrome. Also called: Gargoylism, Hurler Syndrome; MUCOPOLYSACCHARIDOSIS TYPE IH; Severe MPS I (Hurler Syndrome). Identifiers: Orphanet 93473, MedGen C0086795, MONDO:0011758, OMIM 607014.
Mucopolysaccharidosis, MPS-I-H/S. Also called: Mucopolysaccharidosis type IH/S. Identifiers: Orphanet 93476, MedGen C0086431, MONDO:0011759, OMIM 607015.

Submissions (6):

ClinGen Lysosomal Storage Disorder Variant Curation Expert Panel
Classification: Pathogenic for Mucopolysaccharidosis type 1. Last evaluated: 2025-04-07. Review status: reviewed by expert panel. Criteria: ClinGen LSD ACMG Specifications IDUA V1.0.0. Collection method: curation. Allele origin: germline. Inheritance: Autosomal recessive inheritance.
Comment: The NM_000203.5(IDUA):c.1045_1047del (p.Asp349del) variant in IDUA is predicted to cause a change in the length of the protein due to an in-frame deletion of 1 amino acid in a non-repeat region (p.Asp349del) (PM4_Supporting). This variant removes amino acid Asp349, a residue that has been shown to be important in substrate binding in IDUA, and therefore has been defined as a critical residue by the ClinGen Lysosomal Diseases VCEP (PMID: 23959878, 24036510) (PM1). At least 4 probands have been reported with the variant, all with a diagnosis of MPS I and including patients with very low IDUA activity, and elevated urine GAGs (PMID: 36837830) or detailed clinical symptoms consistent with the condition (PMID: 27351199) (PP4). Of those individuals, 2 were compound heterozygous, phase unknown, for the variant and a variant that has been classified as pathogenic by the ClinGen LD VCEP; either c.713T>A (p.Leu238Gln) (PMID: 27351199, 0.5 points) or c.208C>T (p.Gln70Ter) (PMID: 21394825, 27392569, 0.5 points; cannot confirm that these reports are not the same patient). Two patients are homozygous for the variant (PMID: 21394825, 36837830, 2 x 0.5 points). Total 2 points (PM3_Strong). The highest population minor allele frequency in gnomAD v4.1.0. is 0.00002229 (1/44872 alleles) in the East Asian population (PM2_Supporting). In silico predictors suggest that the variant impacts the function of the gene product; Mutation Taster predicts that the variant is "disease-causing", score for MutPredIndel is 0.789 (>0.5 for deleterious) (PP3). There is a ClinVar entry for this variant (Variation ID: 557885). In summary, this variant meets the criteria to be classified as pathogenic for MPS I based on the ACMG/AMP criteria applied, as specified by the ClinGen Lysosomal Diseases Variant Curation Expert panel (Specifications Version 1.0.0): PM3_Strong, PM1, PP3, PM2_Supporting, PM4_Supporting. (Classification approved by the ClinGen Lysosomal Diseases Variant Curation Expert Panel on April 7, 2025).

Labcorp Genetics (formerly Invitae), Labcorp
Classification: Pathogenic for Mucopolysaccharidosis type 1. Last evaluated: 2024-10-14. Review status: criteria provided, single submitter. Criteria: Invitae Variant Classification Sherloc (09022015). Collection method: clinical testing. Allele origin: germline. Not counted in ClinVar's aggregate classification.
Comment: This variant, c.1045_1047del, results in the deletion of 1 amino acid(s) of the IDUA protein (p.Asp349del), but otherwise preserves the integrity of the reading frame. This variant is present in population databases (no rsID available, gnomAD 0.06%). This variant has been observed in individuals with mucopolysaccharidosis type I (PMID: 21394825, 27392569). ClinVar contains an entry for this variant (Variation ID: 557885). This variant disrupts a region of the IDUA protein in which other variant(s) (p.Asp349Tyr) have been determined to be pathogenic (PMID: 12203999, 12559846, 28752568, 30809705). This suggests that this is a clinically significant region of the protein, and that variants that disrupt it are likely to be disease-causing. For these reasons, this variant has been classified as Pathogenic.

Fulgent Genetics
Classification: Likely pathogenic for Hurler syndrome; Mucopolysaccharidosis, MPS-I-H/S; Mucopolysaccharidosis, MPS-I-S. Last evaluated: 2024-05-01. Review status: criteria provided, single submitter. Criteria: ACMG Guidelines, 2015. Collection method: clinical testing. Allele origin: germline. Not counted in ClinVar's aggregate classification.

Genomic Medicine Center of Excellence, King Faisal Specialist Hospital and Research Centre
Classification: Likely pathogenic for Hurler syndrome. Last evaluated: 2024-04-04. Review status: criteria provided, single submitter. Criteria: ACMG Guidelines, 2015. Collection method: clinical testing. Allele origin: germline. Not counted in ClinVar's aggregate classification.

Revvity Omics, Revvity
Classification: Likely pathogenic. Last evaluated: 2022-01-03. Review status: criteria provided, single submitter. Criteria: ACMG Guidelines, 2015. Collection method: clinical testing. Allele origin: germline. Not counted in ClinVar's aggregate classification.

Counsyl
Classification: Likely pathogenic for Hurler syndrome. Last evaluated: 2018-04-16. Review status: no assertion criteria provided. Collection method: clinical testing. Allele origin: unknown. Not counted in ClinVar's aggregate classification.

Literature cited by the submitters: PubMed 21394825 (cited by Labcorp Genetics (formerly Invitae), Labcorp and Counsyl); PubMed 27392569 (cited by Labcorp Genetics (formerly Invitae), Labcorp and Counsyl); PubMed 12203999 (cited by Labcorp Genetics (formerly Invitae), Labcorp); PubMed 12559846 (cited by Labcorp Genetics (formerly Invitae), Labcorp); PubMed 28752568 (cited by Labcorp Genetics (formerly Invitae), Labcorp); PubMed 30809705 (cited by Labcorp Genetics (formerly Invitae), Labcorp).